The following is an entry in ClinVar:

ClinVar aggregate classification (germline): Likely pathogenic. Review status: criteria provided, multiple submitters, no conflicts (2 of 4 stars). 2 submissions from 2 submitters: Likely pathogenic (2). Last evaluated 2024-10-09.

Conditions:
Nemaline myopathy 2 (NEM2). Also called: Nemaline myopathy 2, autosomal recessive. Identifiers: MedGen C1850569, MONDO:0009725, OMIM 256030.
Arthrogryposis multiplex congenita 6. Identifiers: MedGen C5543431, MONDO:0030281, OMIM 619334.

Submissions (2):

Natera, Inc.
Classification: Likely pathogenic for Nemaline myopathy type 2. Last evaluated: 2024-10-09. Review status: criteria provided, single submitter. Criteria: Natera Variant Classification Schema (03/2026). Collection method: clinical testing. Allele origin: germline.
Comment: The c.12808C>T variant in NEB is a nonsense variant predicted to introduce a stop codon at amino acid 4270. This variant is expected to result in nonsense mediated decay, truncation, or a dysfunctional protein product. This variant is rare in the general population with a frequency below the threshold expected for the associated phenotype(s). Given the available evidence, this variant is classified as Likely Pathogenic.

Baylor Genetics
Classification: Likely pathogenic for Arthrogryposis multiplex congenita 6. Last evaluated: 2023-05-03. Review status: criteria provided, single submitter. Criteria: ACMG Guidelines, 2015. Collection method: clinical testing. Allele origin: unknown.

NM_001164508.2(NEB):c.12808C>T (p.Gln4270Ter)

Gene: NEB (nebulin; minus strand). Cytogenetic location: 2q23.3.
Variant type: single nucleotide variant.
Coding change: c.12808C>T on transcript NM_001164508.2 (MANE Select); coding-DNA position 12808, C replaced by T.
Protein change: p.Gln4270Ter; replaces glutamine 4270 with a stop codon.
Molecular consequence: nonsense. On other transcripts: intron variant (1).
Genome position (GRCh38, 1-based): chr2:151,604,811, G>A on the plus strand (C>T on the coding strand, the complement: NEB is on the minus strand). VCF-style: chr2-151604811-G-A. GRCh37 (hg19) VCF-style: chr2-152461325-G-A.
Other names: c.12808C>T, p.Gln4270Ter (NM_001164507.2, NM_001271208.2); c.11601+4998C>T (NM_004543.5); short protein forms Q4270*.
Identifiers: ClinVar variation 2677100 (VCV002677100.2), dbSNP rs1057524648, ClinGen allele CA348773834.
Genomic context (GRCh38, chr2:151,604,811, plus strand): 5'-ATTCTCTGTCACTCTGGATCTTGGCAGCATGTATAGCCCATACTGACTTGGGGTCATCTT[G>A]TAGGGTGCGGAAACCCATGTGGTGGCCCAGTTGCTTACGGTAACCTTCTTTGTATTTGTA-3'